The following is an entry in ClinVar:

ClinVar aggregate classification (germline): Uncertain significance (1 of 4 stars; one submission).

Conditions:
Developmental and epileptic encephalopathy. Identifiers: MedGen C5779964, MONDO:0100620.

Submission:

Labcorp Genetics (formerly Invitae), Labcorp
Classification: Uncertain significance for Early-infantile DEE. Last evaluated: 2023-11-24. Review status: criteria provided, single submitter. Criteria: Invitae Variant Classification Sherloc (09022015). Collection method: clinical testing. Allele origin: unknown.
Comment: This variant is a gross deletion of the genomic region encompassing exon(s) 53-57 of the SPTAN1 gene, which includes the termination codon. This deletion extends beyond the assayed region for this gene and therefore may encompass additional genes. While this deletion is not anticipated to lead to nonsense mediated decay, it is expected to alter mRNA translation or result in a truncated protein product. This variant has not been reported in the literature in individuals affected with SPTAN1-related conditions. Experimental studies and prediction algorithms are not available or were not evaluated, and the functional significance of this variant is currently unknown. In summary, the available evidence is currently insufficient to determine the role of this variant in disease. Therefore, it has been classified as a Variant of Uncertain Significance.

NC_000009.11:g.(?_131394386)_(131395613_?)dup

Gene: SPTAN1 (spectrin alpha, non-erythrocytic 1; plus strand). Cytogenetic location: 9q34.11.
Variant type: Duplication.
Identifiers: ClinVar variation 3245118 (VCV003245118.1).